The following is an entry in ClinVar:

ClinVar aggregate classification (germline): Uncertain significance (1 of 4 stars; one submission).

Allele frequency attached by ClinVar (database versions not stated): gnomAD exomes below 0.00001 and 0.00001.
gnomAD v4.1: 2 of 1,611,208 alleles (0.00012%); highest among the groups gnomAD compares: Admixed American, 0.0033%; no homozygotes.

Submission:

Laboratory for Molecular Medicine, Mass General Brigham Personalized Medicine
Classification: Uncertain significance. Last evaluated: 2016-01-19. Review status: criteria provided, single submitter. Criteria: LMM Criteria. Collection method: clinical testing. Allele origin: germline. Observed: 1 variant allele.
Comment: The p.Pro918Ala variant in TECTA has not been previously reported in individuals with hearing loss or in large population studies. Computational prediction tool s and conservation analysis suggest that this variant may impact the protein, th ough this information is not predictive enough to determine pathogenicity. In su mmary, the clinical significance of the p.Pro918Ala variant is uncertain.

NM_005422.4(TECTA):c.2752C>G (p.Pro918Ala)

Genes: TBCEL-TECTA (TBCEL-TECTA readthrough; plus strand), TECTA (tectorin alpha; plus strand), LOC126861365 (P300/CBP strongly-dependent group 1 enhancer GRCh37_chr11:121000154-121001353; plus strand). Cytogenetic location: 11q23.3.
Variant type: single nucleotide variant.
Coding change: c.2752C>G on transcript NM_005422.4 (MANE Select); coding-DNA position 2752, C replaced by G.
Protein change: p.Pro918Ala; replaces proline 918 with alanine.
Molecular consequence: missense variant.
Genome position (GRCh38, 1-based): chr11:121,130,022, C>G. VCF-style: chr11-121130022-C-G. GRCh37 (hg19) VCF-style: chr11-121000731-C-G.
Other names: c.3709C>G, p.Pro1237Ala (NM_001378761.1); short protein forms P918A, P1237A.
Identifiers: ClinVar variation 229297 (VCV000229297.5), dbSNP rs876658016, ClinGen allele CA10576838.